The following is an entry in ClinVar:

ClinVar aggregate classification (germline): Uncertain significance (1 of 4 stars; one submission).

Conditions:
Epileptic encephalopathy. Identifiers: MedGen C0543888, HP:0200134.

Allele frequency attached by ClinVar (database versions not stated): gnomAD exomes below 0.00001.
gnomAD v4.1: 1 of 1,613,208 alleles (0.000062%); highest among the groups gnomAD compares: Non-Finnish European, 0.000085%; no homozygotes.

Submission:

Labcorp Genetics (formerly Invitae), Labcorp
Classification: Uncertain significance for Epileptic encephalopathy. Last evaluated: 2022-03-25. Review status: criteria provided, single submitter. Criteria: Invitae Variant Classification Sherloc (09022015). Collection method: clinical testing. Allele origin: germline.
Comment: This sequence change replaces methionine, which is neutral and non-polar, with isoleucine, which is neutral and non-polar, at codon 2378 of the FASN protein (p.Met2378Ile). In summary, the available evidence is currently insufficient to determine the role of this variant in disease. Therefore, it has been classified as a Variant of Uncertain Significance. Algorithms developed to predict the effect of missense changes on protein structure and function (SIFT, PolyPhen-2, Align-GVGD) all suggest that this variant is likely to be tolerated. This variant has not been reported in the literature in individuals affected with FASN-related conditions. This variant is not present in population databases (gnomAD no frequency).

NM_004104.5(FASN):c.7134G>A (p.Met2378Ile)

Gene: FASN (fatty acid synthase; minus strand). Cytogenetic location: 17q25.3.
Variant type: single nucleotide variant.
Coding change: c.7134G>A on transcript NM_004104.5 (MANE Select); coding-DNA position 7134, G replaced by A.
Protein change: p.Met2378Ile; replaces methionine 2378 with isoleucine.
Molecular consequence: missense variant.
Genome position (GRCh38, 1-based): chr17:82,080,152, C>T on the plus strand (G>A on the coding strand, the complement: FASN is on the minus strand). VCF-style: chr17-82080152-C-T. GRCh37 (hg19) VCF-style: chr17-80038028-C-T.
Other names: short protein forms M2378I.
Identifiers: ClinVar variation 2116915 (VCV002116915.4), dbSNP rs2509826688, ClinGen allele CA401597129.